The following is an entry in ClinVar:

ClinVar aggregate classification (germline): Uncertain significance (1 of 4 stars; one submission).

Allele frequency attached by ClinVar (database versions not stated): gnomAD exomes below 0.00001.

Submission:

GeneDx
Classification: Uncertain significance. Last evaluated: 2016-01-15. Review status: criteria provided, single submitter. Criteria: GeneDx Variant Classification (06012015). Collection method: clinical testing. Allele origin: germline. Affected: yes.
Comment: The P810L variant has not been published as a pathogenic variant, nor has it been reported as a benign variant to our knowledge. It was not observed in approximately 6,500 individuals of European and African American ancestry in the NHLBI Exome Sequencing Project, indicating it is not a common benign variant in these populations. The P810L variant is a semi-conservative amino acid substitution, which may impact secondary protein structure as these residues differ in some properties. However, this substitution occurs at a position that is not conserved, and in silico analysis predicts the P810L variant likely does not alter the protein structure/function. Based on the currently available information, it is unclear whether this variant is a pathogenic variant or a rare benign variant.

NM_002180.3(IGHMBP2):c.2429C>T (p.Pro810Leu)

Gene: IGHMBP2 (immunoglobulin mu DNA binding protein 2; plus strand). Cytogenetic location: 11q13.3.
Variant type: single nucleotide variant.
Coding change: c.2429C>T on transcript NM_002180.3 (MANE Select); coding-DNA position 2429, C replaced by T.
Protein change: p.Pro810Leu; replaces proline 810 with leucine.
Molecular consequence: missense variant.
Genome position (GRCh38, 1-based): chr11:68,936,909, C>T. VCF-style: chr11-68936909-C-T. GRCh37 (hg19) VCF-style: chr11-68704377-C-T.
Other names: short protein forms P810L.
Identifiers: ClinVar variation 234779 (VCV000234779.2), dbSNP rs876661213, ClinGen allele CA10577430.